The following is an entry in ClinVar:

NM_001126108.2(SLC12A3):c.247C>T (p.Arg83Trp)

Gene: SLC12A3 (solute carrier family 12 member 3; plus strand). Cytogenetic location: 16q13.
Variant type: single nucleotide variant.
Coding change: c.247C>T on transcript NM_001126108.2 (MANE Select); coding-DNA position 247, C replaced by T.
Protein change: p.Arg83Trp; replaces arginine 83 with tryptophan.
Molecular consequence: missense variant.
Genome position (GRCh38, 1-based): chr16:56,865,482, C>T. VCF-style: chr16-56865482-C-T. GRCh37 (hg19) VCF-style: chr16-56899394-C-T.
Other names: c.247C>T, p.Arg83Trp (NM_000339.3, NM_001126107.2); short protein forms R83W.
Identifiers: ClinVar variation 319889 (VCV000319889.25), dbSNP rs201255508, ClinGen allele CA8068941.
Genomic context (GRCh38, chr16:56,865,482, plus strand): 5'-GTGGTGCCCACATATGAGCACTATGCCAACAGCACCCAGCCTGGTGAGCCCCGGAAGGTC[C>T]GGCCCACACTGGCTGACCTGCACTCCTTCCTCAAGGTAAGTGCTGTCTCAGAAGACTGGC-3'
Protein context (NP_001119580.2, residues 73-93): STQPGEPRKV[Arg83Trp]PTLADLHSFL

ClinVar aggregate classification (germline): Pathogenic/Likely pathogenic. Review status: criteria provided, multiple submitters, no conflicts (2 of 4 stars). 11 submissions from 11 submitters: Pathogenic (8); Likely pathogenic (3). Last evaluated 2025-07-30.

Conditions:
Familial hypokalemia-hypomagnesemia (GTLMNS). Also called: HYPOMAGNESEMIA-HYPOKALEMIA, PRIMARY RENOTUBULAR, WITH HYPOCALCIURIA; POTASSIUM AND MAGNESIUM DEPLETION; gitelman syndrome. Identifiers: Orphanet 358, MedGen C0268450, MONDO:0009904, OMIM 263800.
SLC12A3-related disorder. Also called: SLC12A3-related condition.

Allele frequency attached by ClinVar (database versions not stated): TOPMed 0.00002; ExAC 0.00003; gnomAD 0.00003; gnomAD exomes 0.00003; ESP Exome Variant Server 0.00008; 1000 Genomes Project 30x 0.00016; 1000 Genomes Project 0.00020.

Submissions (11):

Natera, Inc.
Classification: Pathogenic for Gitelman syndrome. Last evaluated: 2025-07-30. Review status: criteria provided, single submitter. Criteria: Natera Variant Classification Schema (03/2026). Collection method: clinical testing. Allele origin: germline.
Comment: The c.247C>T variant in SLC12A3 is a missense variant predicted to cause substitution of arginine to tryptophan at amino acid 83. This variant is rare in the general population with a frequency below the threshold expected for the associated phenotype(s). This variant has been observed in one or more individuals affected with the associated recessive disease, as either homozygous or compound heterozygous with a second variant (PMID: 29398133, 30596175, 21415153). A different variant at the same position has been determined to be Pathogenic or Likely Pathogenic. Computational prediction algorithms indicate this variant is likely to affect gene or protein function. Given the available evidence, this variant is classified as Pathogenic.

Labcorp Genetics (formerly Invitae), Labcorp
Classification: Pathogenic. Last evaluated: 2025-02-23. Review status: criteria provided, single submitter. Criteria: Invitae Variant Classification Sherloc (09022015). Collection method: clinical testing. Allele origin: germline.
Comment: This sequence change replaces arginine, which is basic and polar, with tryptophan, which is neutral and slightly polar, at codon 83 of the SLC12A3 protein (p.Arg83Trp). This variant is present in population databases (rs201255508, gnomAD 0.006%). This missense change has been observed in individuals with SLC12A3-related conditions (PMID: 21415153). ClinVar contains an entry for this variant (Variation ID: 319889). Invitae Evidence Modeling of protein sequence and biophysical properties (such as structural, functional, and spatial information, amino acid conservation, physicochemical variation, residue mobility, and thermodynamic stability) indicates that this missense variant is expected to disrupt SLC12A3 protein function with a positive predictive value of 95%. Experimental studies have shown that this missense change affects SLC12A3 function (PMID: 27582097). This variant disrupts the p.Arg83 amino acid residue in SLC12A3. Other variant(s) that disrupt this residue have been determined to be pathogenic (PMID: 20675610, 21051746, 21415153). This suggests that this residue is clinically significant, and that variants that disrupt this residue are likely to be disease-causing. For these reasons, this variant has been classified as Pathogenic.

3billion
Classification: Pathogenic for Familial hypokalemia-hypomagnesemia. Last evaluated: 2025-02-14. Review status: criteria provided, single submitter. Criteria: ACMG Guidelines, 2015. Collection method: clinical testing. Allele origin: germline. Affected: yes.
Comment: The variant is observed at an extremely low frequency in the gnomAD v4.1.0 dataset (total allele frequency: 0.002%). Predicted Consequence/Location: Missense variant Functional studies provide strong evidence of the variant having a damaging effect on the gene or gene product (PMID: 27582097). In silico tool predictions suggest damaging effect of the variant on gene or gene product [REVEL: 0.85 (>=0.6, sensitivity 0.68 and specificity 0.92); 3Cnet: 0.92 (>=0.6, sensitivity 0.72 and precision 0.9)]. The same nucleotide change resulting in the same amino acid change has been previously reported as pathogenic/likely pathogenic with strong evidence (ClinVar ID: VCV000319889 /PMID: 21415153). A different missense change at the same codon (p.Arg83Gln) has been reported as pathogenic/likely pathogenic with strong evidence (ClinVar ID: VCV000632258 /3billion dataset). Therefore, this variant is classified as Pathogenic according to the recommendation of ACMG/AMP guideline.

Blueprint Genetics
Classification: Pathogenic for SLC12A3-related disorders. Last evaluated: 2024-07-24. Review status: criteria provided, single submitter. Criteria: ACMG Guidelines, 2015. Collection method: clinical testing. Allele origin: germline. Affected: yes. Observed: 5 variant alleles.

Genomic Medicine Center of Excellence, King Faisal Specialist Hospital and Research Centre
Classification: Pathogenic for Familial hypokalemia-hypomagnesemia. Last evaluated: 2024-03-29. Review status: criteria provided, single submitter. Criteria: ACMG Guidelines, 2015. Collection method: clinical testing. Allele origin: germline.

Institute of Human Genetics, University of Leipzig Medical Center
Classification: Pathogenic for Familial hypokalemia-hypomagnesemia. Last evaluated: 2023-05-05. Review status: criteria provided, single submitter. Criteria: ACMG Guidelines, 2015. Collection method: clinical testing. Allele origin: unknown. Inheritance: Autosomal recessive inheritance. Affected: yes.
Comment: Criteria applied: PS3,PM3,PM5,PM2_SUP,PP4

European Hospital Georges Pompidou Genetics Department, Assistance Publique - Hôpitaux de Paris AP-HP
Classification: Pathogenic for Familial hypokalemia-hypomagnesemia. Last evaluated: 2022-04-27. Review status: criteria provided, single submitter. Criteria: ACMG Guidelines, 2015. Collection method: clinical testing. Allele origin: germline. Affected: yes.
Comment: ACMG criteria used:PS3, PM1, PM2, PP3, PP5, PM3

Fulgent Genetics
Classification: Pathogenic for Familial hypokalemia-hypomagnesemia. Last evaluated: 2022-03-19. Review status: criteria provided, single submitter. Criteria: ACMG Guidelines, 2015. Collection method: clinical testing. Allele origin: unknown.

Genome-Nilou Lab
Classification: Likely pathogenic for Familial hypokalemia-hypomagnesemia. Last evaluated: 2021-07-15. Review status: criteria provided, single submitter. Criteria: ACMG Guidelines, 2015. Collection method: clinical testing. Allele origin: germline. Affected: no.

Knight Diagnostic Laboratories, Oregon Health and Sciences University
Classification: Likely pathogenic for Gitelman syndrome. Last evaluated: 2019-09-06. Review status: criteria provided, single submitter. Criteria: ACMG Guidelines, 2015. Collection method: clinical testing. Allele origin: germline. Observed: 1 variant allele.

Illumina Laboratory Services, Illumina
Classification: Likely pathogenic for Familial hypokalemia-hypomagnesemia. Last evaluated: 2017-04-28. Review status: criteria provided, single submitter. Criteria: ICSL Variant Classification Criteria 09 May 2019. Collection method: clinical testing. Allele origin: germline.
Comment: The SLC12A3 c.247C>T (p.Arg83Trp) variant is reported in one study in which it is found in a compound heterozygous state with another missense variant in five patients with Gitelman syndrome (Vargas-Poussou et al. 2011). The p.Arg83Trp variant was absent from 200 control chromosomes and is reported at a frequency of 0.00005 in the European (non-Finnish) population of the Exome Aggregation Consortium database. Based on the evidence, the p.Arg83Trp variant is classified as likely pathogenic for Gitelman syndrome. This variant was observed by ICSL as part of a predisposition screen in an ostensibly healthy population.

Literature cited by the submitters: PubMed 29398133 (cited by Natera, Inc.); PubMed 30596175 (cited by Natera, Inc.); PubMed 21415153 (cited by 4 submitters); PubMed 27582097 (cited by Labcorp Genetics (formerly Invitae), Labcorp and 3billion); PubMed 20675610 (cited by Labcorp Genetics (formerly Invitae), Labcorp); PubMed 21051746 (cited by Labcorp Genetics (formerly Invitae), Labcorp).